The following is an entry in ClinVar:

ClinVar aggregate classification (germline): Uncertain significance (1 of 4 stars; one submission).

Allele frequency attached by ClinVar (database versions not stated): TOPMed 0.00001.
gnomAD v4.1: 8 of 1,607,756 alleles (0.0005%); highest among the groups gnomAD compares: Non-Finnish European, 0.00068%; no homozygotes.

Submission:

Ambry Genetics
Classification: Uncertain significance. Last evaluated: 2024-02-16. Review status: criteria provided, single submitter. Criteria: Ambry Variant Classification Scheme 2023. Collection method: clinical testing. Allele origin: germline.
Comment: The p.D444Y variant (also known as c.1330G>T), located in coding exon 13 of the SLMAP gene, results from a G to T substitution at nucleotide position 1330. The aspartic acid at codon 444 is replaced by tyrosine, an amino acid with highly dissimilar properties. This amino acid position is conserved. In addition, this alteration is predicted to be deleterious by in silico analysis. Based on the available evidence, the clinical significance of this alteration remains unclear.

NM_001377540.1(SLMAP):c.1432G>T (p.Asp478Tyr)

Gene: SLMAP (sarcolemma associated protein; plus strand). Cytogenetic location: 3p14.3.
Variant type: single nucleotide variant.
Coding change: c.1432G>T on transcript NM_001377540.1 (MANE Select); coding-DNA position 1432, G replaced by T.
Protein change: p.Asp478Tyr; replaces aspartic acid 478 with tyrosine.
Molecular consequence: missense variant. On other transcripts: 5 prime UTR variant (7), non-coding transcript variant (1).
Genome position (GRCh38, 1-based): chr3:57,896,582, G>T. VCF-style: chr3-57896582-G-T. GRCh37 (hg19) VCF-style: chr3-57882309-G-T.
Other names: c.1381G>T, p.Asp461Tyr (NM_001304420.3, NM_001377541.1, NM_001377542.1 and 2 more transcripts); c.1267G>T, p.Asp423Tyr (NM_001304421.2, NM_001377557.1, NM_001377559.1 and 1 more transcripts); c.-18G>T (NM_001304422.3, NM_001304423.3, NM_001311178.2 and 4 more transcripts); c.1432G>T, p.Asp478Tyr (NM_001377538.1, NM_001377539.1, NM_001377555.1); c.1369G>T, p.Asp457Tyr (NM_001377545.1, NM_001377922.1); c.1330G>T, p.Asp444Tyr (NM_001377549.1, NM_001377923.1, NM_007159.5); c.1318G>T, p.Asp440Tyr (NM_001377551.1, NM_001377552.1, NM_001377924.1); short protein forms D423Y, D440Y, D444Y, D457Y, D461Y, D478Y.
Identifiers: ClinVar variation 3225996 (VCV003225996.1), dbSNP rs1016820088, ClinGen allele CA75411355.